The following is an entry in ClinVar:

NM_013432.5(TONSL):c.1291A>G (p.Arg431Gly)

Gene: TONSL (tonsoku like, DNA repair protein; minus strand). Cytogenetic location: 8q24.3.
Variant type: single nucleotide variant.
Coding change: c.1291A>G on transcript NM_013432.5 (MANE Select); coding-DNA position 1291, A replaced by G.
Protein change: p.Arg431Gly; replaces arginine 431 with glycine.
Molecular consequence: missense variant.
Genome position (GRCh38, 1-based): chr8:144,440,210, T>C on the plus strand (A>G on the coding strand, the complement: TONSL is on the minus strand). VCF-style: chr8-144440210-T-C. GRCh37 (hg19) VCF-style: chr8-145665593-T-C.
Other names: c.1291A>G (NM_013432.4); short protein forms R431G.
Identifiers: ClinVar variation 1478766 (VCV001478766.9), dbSNP rs1459928273, ClinGen allele CA372668853.
Genomic context (GRCh38, chr8:144,440,210, plus strand): 5'-CAGGGGCCTCCTGGGGCTGCAGCCTCAGCTGCACGGTATGGAGATGCTGCAAGACCTGCC[T>C]CTGAGGAGCAGAGGGATGCTCAGCTCAGGACTGGGGGCTGTGGACGCAGAGAAAGATGGG-3'
Protein context (NP_038460.4, residues 421-441): AQQAQRPQLQ[Arg431Gly]QVLQHLHTVQ

ClinVar aggregate classification (germline): Uncertain significance. Review status: criteria provided, multiple submitters, no conflicts (2 of 4 stars). 2 submissions from 2 submitters: Uncertain significance (2). Last evaluated 2025-11-26.

Conditions:
Inborn genetic diseases. Identifiers: MedGen C0950123, MeSH D030342.

Allele frequency attached by ClinVar (database versions not stated): gnomAD 0.00001; TOPMed 0.00001.
gnomAD v4.1: 2 of 1,591,180 alleles (0.00013%); highest among the groups gnomAD compares: Non-Finnish European, 0.000086%; no homozygotes.

Submissions (2):

Ambry Genetics
Classification: Uncertain significance for Inborn genetic diseases. Last evaluated: 2025-11-26. Review status: criteria provided, single submitter. Criteria: Ambry Variant Classification Scheme 2023. Collection method: clinical testing. Allele origin: germline.

Labcorp Genetics (formerly Invitae), Labcorp
Classification: Uncertain significance. Last evaluated: 2021-04-02. Review status: criteria provided, single submitter. Criteria: Invitae Variant Classification Sherloc (09022015). Collection method: clinical testing. Allele origin: germline.
Comment: This variant has not been reported in the literature in individuals with TONSL-related conditions. This variant is not present in population databases (ExAC no frequency). This sequence change replaces arginine with glycine at codon 431 of the TONSL protein (p.Arg431Gly). The arginine residue is highly conserved and there is a moderate physicochemical difference between arginine and glycine. In summary, the available evidence is currently insufficient to determine the role of this variant in disease. Therefore, it has been classified as a Variant of Uncertain Significance. Algorithms developed to predict the effect of missense changes on protein structure and function are either unavailable or do not agree on the potential impact of this missense change (SIFT: "Deleterious"; PolyPhen-2: "Benign"; Align-GVGD: "Class C0").